The following is an entry in ClinVar:

NM_014712.3(SETD1A):c.5071A>G (p.Asn1691Asp)

Gene: SETD1A (SET domain containing 1A, histone lysine methyltransferase; plus strand). Cytogenetic location: 16p11.2.
Variant type: single nucleotide variant.
Coding change: c.5071A>G on transcript NM_014712.3 (MANE Select); coding-DNA position 5071, A replaced by G.
Protein change: p.Asn1691Asp; replaces asparagine 1691 with aspartic acid.
Molecular consequence: missense variant.
Genome position (GRCh38, 1-based): chr16:30,983,970, A>G. VCF-style: chr16-30983970-A-G. GRCh37 (hg19) VCF-style: chr16-30995291-A-G.
Other names: short protein forms N1691D.
Identifiers: ClinVar variation 1334648 (VCV001334648.4), dbSNP rs2143609049, ClinGen allele CA395637098.

ClinVar aggregate classification (germline): Uncertain significance (1 of 4 stars; one submission).

Submission:

Greenwood Genetic Center Diagnostic Laboratories, Greenwood Genetic Center
Classification: Uncertain significance. Last evaluated: 2021-11-09. Review status: criteria provided, single submitter. Criteria: ACMG Guidelines, 2015. Collection method: clinical testing. Allele origin: germline. Affected: yes.
Comment: PM2